The following is an entry in ClinVar:

ClinVar aggregate classification (germline): Uncertain significance (1 of 4 stars; one submission).

Conditions:
Bloom syndrome (BLM). Also called: Bloom-Torre-Machacek syndrome. Identifiers: Orphanet 125, MedGen C0005859, MONDO:0008876, OMIM 210900.

Submission:

Labcorp Genetics (formerly Invitae), Labcorp
Classification: Uncertain significance for Bloom syndrome. Last evaluated: 2022-11-09. Review status: criteria provided, single submitter. Criteria: Invitae Variant Classification Sherloc (09022015). Collection method: clinical testing. Allele origin: germline.
Comment: In summary, the available evidence is currently insufficient to determine the role of this variant in disease. Therefore, it has been classified as a Variant of Uncertain Significance. Algorithms developed to predict the effect of sequence changes on RNA splicing suggest that this variant may disrupt the consensus splice site. Advanced modeling of protein sequence and biophysical properties (such as structural, functional, and spatial information, amino acid conservation, physicochemical variation, residue mobility, and thermodynamic stability) performed at Invitae indicates that this missense variant is expected to disrupt BLM protein function. This variant has not been reported in the literature in individuals affected with BLM-related conditions. This variant is not present in population databases (gnomAD no frequency). This sequence change replaces tryptophan, which is neutral and slightly polar, with cysteine, which is neutral and slightly polar, at codon 881 of the BLM protein (p.Trp881Cys).

NM_000057.4(BLM):c.2643G>T (p.Trp881Cys)

Gene: BLM (BLM RecQ like helicase; plus strand). Cytogenetic location: 15q26.1.
Variant type: single nucleotide variant.
Coding change: c.2643G>T on transcript NM_000057.4 (MANE Select); coding-DNA position 2643, G replaced by T.
Protein change: p.Trp881Cys; replaces tryptophan 881 with cysteine.
Molecular consequence: missense variant.
Genome position (GRCh38, 1-based): chr15:90,782,909, G>T. VCF-style: chr15-90782909-G-T. GRCh37 (hg19) VCF-style: chr15-91326139-G-T.
Other names: c.2643G>T, p.Trp881Cys (NM_001287246.2, NM_001287247.2); c.1518G>T, p.Trp506Cys (NM_001287248.2); short protein forms W506C, W881C.
Identifiers: ClinVar variation 2801498 (VCV002801498.3), dbSNP rs367543039, ClinGen allele CA393845784.
Genomic context (GRCh38, chr15:90,782,909, plus strand): 5'-TCTGAAATACTATGTATTACCGAAAAAGCCTAAAAAGGTGGCATTTGATTGCCTAGAATG[G>T]ATCAGAAAGCACCACCCATGTGAGTACAGCCATGTGATTAGCTGTCTAGAAGTAACAAAT-3'
Protein context (NP_000048.1, residues 871-891): PKKVAFDCLE[Trp881Cys]IRKHHPYDSG